The following is an entry in ClinVar:

ClinVar aggregate classification (germline): Uncertain significance (1 of 4 stars; one submission).

Conditions:
Alagille syndrome due to a JAG1 point mutation. Also called: HEPATIC DUCTULAR HYPOPLASIA, SYNDROMATIC; Alagille Syndrome 1; JAG1-Related Alagille Syndrome. Identifiers: Orphanet 261619, Orphanet 52, MedGen C1956125, MONDO:0016862, OMIM 118450.

Submission:

Labcorp Genetics (formerly Invitae), Labcorp
Classification: Uncertain significance for Alagille syndrome due to a JAG1 point mutation. Last evaluated: 2022-08-23. Review status: criteria provided, single submitter. Criteria: Invitae Variant Classification Sherloc (09022015). Collection method: clinical testing. Allele origin: germline.
Comment: This variant has not been reported in the literature in individuals affected with JAG1-related conditions. This sequence change falls in intron 20 of the JAG1 gene. It does not directly change the encoded amino acid sequence of the JAG1 protein. It affects a nucleotide within the consensus splice site. This variant is not present in population databases (gnomAD no frequency). ClinVar contains an entry for this variant (Variation ID: 1475641). Variants that disrupt the consensus splice site are a relatively common cause of aberrant splicing (PMID: 17576681, 9536098). Algorithms developed to predict the effect of sequence changes on RNA splicing suggest that this variant may create or strengthen a splice site. In summary, the available evidence is currently insufficient to determine the role of this variant in disease. Therefore, it has been classified as a Variant of Uncertain Significance.

Literature cited by the submitters: PubMed 17576681; PubMed 9536098.

NM_000214.3(JAG1):c.2458+4A>C

Gene: JAG1 (jagged canonical Notch ligand 1; minus strand). Cytogenetic location: 20p12.2.
Variant type: single nucleotide variant.
Coding change: c.2458+4A>C on transcript NM_000214.3 (MANE Select); 4 bases into the intron after coding-DNA position 2458, A replaced by C.
Molecular consequence: intron variant.
Genome position (GRCh38, 1-based): chr20:10,643,774, T>G on the plus strand (A>C on the coding strand, the complement: JAG1 is on the minus strand). VCF-style: chr20-10643774-T-G. GRCh37 (hg19) VCF-style: chr20-10624422-T-G.
Identifiers: ClinVar variation 1475641 (VCV001475641.6), dbSNP rs2122600423, ClinGen allele CA2573156866.